The following is an entry in ClinVar:

NM_000051.4(ATM):c.3977A>G (p.Asn1326Ser)

Gene: ATM (ATM serine/threonine kinase; plus strand). Cytogenetic location: 11q22.3.
Variant type: single nucleotide variant.
Coding change: c.3977A>G on transcript NM_000051.4 (MANE Select); coding-DNA position 3977, A replaced by G.
Protein change: p.Asn1326Ser; replaces asparagine 1326 with serine.
Molecular consequence: missense variant.
Genome position (GRCh38, 1-based): chr11:108,284,457, A>G. VCF-style: chr11-108284457-A-G. GRCh37 (hg19) VCF-style: chr11-108155184-A-G.
Other names: c.3977A>G, p.Asn1326Ser (NM_001351834.2); short protein forms N1326S.
Identifiers: ClinVar variation 236713 (VCV000236713.14), dbSNP rs878853507, ClinGen allele CA10582815.

ClinVar aggregate classification (germline): Uncertain significance. Review status: criteria provided, multiple submitters, no conflicts (2 of 4 stars). 3 submissions from 3 submitters: Uncertain significance (3). Last evaluated 2025-06-01.

Conditions:
Hereditary cancer-predisposing syndrome. Also called: Tumor predisposition; Hereditary Cancer Syndrome; Hereditary neoplastic syndrome; Neoplastic Syndromes, Hereditary. Identifiers: Orphanet 140162, MedGen C0027672, MeSH D009386, MONDO:0015356.
Ataxia-telangiectasia syndrome (AT). Also called: Ataxia telangiectasia (A-T); LOUIS-BAR SYNDROME; Cerebello-oculocutaneous telangiectasia; Immunodeficiency with ataxia telangiectasia; ATAXIA-TELANGIECTASIA, COMPLEMENTATION GROUP A; ATAXIA-TELANGIECTASIA, FRESNO VARIANT. Identifiers: Orphanet 100, MedGen C0004135, MONDO:0008840, OMIM 208900.

Submissions (3):

Ambry Genetics
Classification: Uncertain significance for Hereditary cancer-predisposing syndrome. Last evaluated: 2025-06-01. Review status: criteria provided, single submitter. Criteria: Ambry Variant Classification Scheme 2023. Collection method: clinical testing. Allele origin: germline.
Comment: The p.N1326S variant (also known as c.3977A>G), located in coding exon 25 of the ATM gene, results from an A to G substitution at nucleotide position 3977. The asparagine at codon 1326 is replaced by serine, an amino acid with highly similar properties. This amino acid position is not well conserved in available vertebrate species. In addition, this alteration is predicted to be tolerated by in silico analysis. Since supporting evidence is limited at this time, the clinical significance of this alteration remains unclear.

Labcorp Genetics (formerly Invitae), Labcorp
Classification: Uncertain significance for Ataxia-telangiectasia syndrome. Last evaluated: 2024-11-11. Review status: criteria provided, single submitter. Criteria: Invitae Variant Classification Sherloc (09022015). Collection method: clinical testing. Allele origin: germline.
Comment: This sequence change replaces asparagine, which is neutral and polar, with serine, which is neutral and polar, at codon 1326 of the ATM protein (p.Asn1326Ser). This variant is not present in population databases (gnomAD no frequency). This variant has not been reported in the literature in individuals affected with ATM-related conditions. ClinVar contains an entry for this variant (Variation ID: 236713). Invitae Evidence Modeling of protein sequence and biophysical properties (such as structural, functional, and spatial information, amino acid conservation, physicochemical variation, residue mobility, and thermodynamic stability) indicates that this missense variant is not expected to disrupt ATM protein function with a negative predictive value of 95%. In summary, the available evidence is currently insufficient to determine the role of this variant in disease. Therefore, it has been classified as a Variant of Uncertain Significance.

Color Diagnostics, LLC DBA Color Health
Classification: Uncertain significance for Hereditary cancer-predisposing syndrome. Last evaluated: 2020-07-14. Review status: criteria provided, single submitter. Criteria: ACMG Guidelines, 2015. Collection method: clinical testing. Allele origin: germline.
Comment: This missense variant replaces asparagine with serine at codon 1326 of the ATM protein. Computational prediction suggests that this variant may not impact protein structure and function (internally defined REVEL score threshold <= 0.5, PMID: 27666373). To our knowledge, functional studies have not been reported for this variant. This variant has not been reported in individuals affected with hereditary cancer in the literature. This variant has not been identified in the general population by the Genome Aggregation Database (gnomAD). The available evidence is insufficient to determine the role of this variant in disease conclusively. Therefore, this variant is classified as a Variant of Uncertain Significance.